The following is an entry in ClinVar:

NM_001165963.4(SCN1A):c.3473A>G (p.Asp1158Gly)

Genes: SCN1A (sodium voltage-gated channel alpha subunit 1; minus strand), LOC102724058 (uncharacterized LOC102724058; plus strand). Cytogenetic location: 2q24.3.
Variant type: single nucleotide variant.
Coding change: c.3473A>G on transcript NM_001165963.4 (MANE Select); coding-DNA position 3473, A replaced by G.
Protein change: p.Asp1158Gly; replaces aspartic acid 1158 with glycine.
Molecular consequence: missense variant. On other transcripts: non-coding transcript variant (2).
Genome position (GRCh38, 1-based): chr2:166,015,684, T>C on the plus strand (A>G on the coding strand, the complement: SCN1A is on the minus strand). VCF-style: chr2-166015684-T-C. GRCh37 (hg19) VCF-style: chr2-166872194-T-C.
Other names: c.3389A>G, p.Asp1130Gly (NM_001353958.2, NM_001165964.3, NM_001353957.2); c.3386A>G, p.Asp1129Gly (NM_001353960.2); c.1031A>G, p.Asp344Gly (NM_001353961.2); c.3440A>G, p.Asp1147Gly (NM_006920.6, NM_001353949.2, NM_001353950.2 and 2 more transcripts); c.3473A>G, p.Asp1158Gly (NM_001202435.3, NM_001353948.2); c.3437A>G, p.Asp1146Gly (NM_001353954.2, NM_001353955.2); short protein forms D1129G, D1130G, D1146G, D1147G, D1158G, D344G.
Identifiers: ClinVar variation 3360737 (VCV003360737.3).

ClinVar aggregate classification (germline): Uncertain significance. Review status: criteria provided, multiple submitters, no conflicts (2 of 4 stars). 2 submissions from 2 submitters: Uncertain significance (2). Last evaluated 2026-09-02.

Conditions:
Inborn genetic diseases. Identifiers: MedGen C0950123, MeSH D030342.

gnomAD v4.1: 4 of 1,612,828 alleles (0.00025%); highest among the groups gnomAD compares: African/African-American, 0.0053%; no homozygotes.

Submissions (2):

Ambry Genetics
Classification: Uncertain significance for Inborn genetic diseases. Last evaluated: 2026-09-02. Review status: criteria provided, single submitter. Criteria: Ambry Variant Classification Scheme 2023. Collection method: clinical testing. Allele origin: germline.
Comment: The c.3473A>G (p.D1158G) alteration is located in exon 17 (coding exon 17) of the SCN1A gene. This alteration results from a A to G substitution at nucleotide position 3473, causing the aspartic acid (D) at amino acid position 1158 to be replaced by a glycine (G). Based on data from gnomAD, the G allele has an overall frequency of 0.001% (2/251102) total alleles studied. The highest observed frequency was 0.012% (2/16250) of African alleles. Based on insufficient or conflicting evidence, the clinical significance of this alteration remains unclear.

GeneDx
Classification: Uncertain significance. Last evaluated: 2025-10-08. Review status: criteria provided, single submitter. Criteria: GeneDx Variant Classification Process June 2021. Collection method: clinical testing. Allele origin: germline.
Comment: Has not been previously published as pathogenic or benign to our knowledge; In silico analysis supports that this missense variant has a deleterious effect on protein structure/function; This substitution is predicted to be in the cytoplasmic loop between the second and third homologous domains